The following is an entry in ClinVar:

ClinVar aggregate classification (germline): Likely benign (0 of 4 stars; one submission).

Conditions:
LMBR1-related disorder. Also called: LMBR1-related condition.

Allele frequency attached by ClinVar (database versions not stated): gnomAD 0.00001; 1000 Genomes Project 30x 0.00016; 1000 Genomes Project 0.00020.
gnomAD v4.1: 1 of 152,342 alleles (0.00066%); highest among the groups gnomAD compares: South Asian, 0.021%; no homozygotes.

Submission:

PreventionGenetics, part of Exact Sciences
Classification: Likely benign for LMBR1-related condition. Last evaluated: 2024-02-20. Review status: no assertion criteria provided. Collection method: clinical testing. Allele origin: germline.
Comment: This variant is classified as likely benign based on ACMG/AMP sequence variant interpretation guidelines (Richards et al. 2015 PMID: 25741868, with internal and published modifications).

NM_022458.4(LMBR1):c.423+4023A>T

Genes: LMBR1 (limb development membrane protein 1; minus strand), ZRS (ZPA regulatory sequence; plus strand). Cytogenetic location: 7q36.3.
Variant type: single nucleotide variant.
Coding change: c.423+4023A>T on transcript NM_022458.4 (MANE Select); 4023 bases into the intron after coding-DNA position 423, A replaced by T.
Molecular consequence: intron variant.
Genome position (GRCh38, 1-based): chr7:156,792,366, T>A on the plus strand (A>T on the coding strand, the complement: LMBR1 is on the minus strand). VCF-style: chr7-156792366-T-A. GRCh37 (hg19) VCF-style: chr7-156585060-T-A.
Other names: c.360+4023A>T (NM_001363412.2); c.144+4023A>T (NM_001350954.2); c.423+4023A>T (NM_001363410.2, NM_001363409.2, NM_001350953.2); c.-112+4023A>T (NM_001350958.2, NM_001350956.2, NM_001350955.2 and 1 more transcripts); c.54+4023A>T (NM_001350957.2, NM_001363411.2).
Identifiers: ClinVar variation 3061261 (VCV003061261.2), dbSNP rs538591885, ClinGen allele CA169823562.